The following is an entry in ClinVar:

NM_198506.5(LRIT3):c.1343G>A (p.Gly448Glu)

Gene: LRIT3 (leucine rich repeat, Ig-like and transmembrane domains 3; plus strand). Cytogenetic location: 4q25.
Variant type: single nucleotide variant.
Coding change: c.1343G>A on transcript NM_198506.5 (MANE Select); coding-DNA position 1343, G replaced by A.
Protein change: p.Gly448Glu; replaces glycine 448 with glutamic acid.
Molecular consequence: missense variant.
Genome position (GRCh38, 1-based): chr4:109,870,092, G>A. VCF-style: chr4-109870092-G-A. GRCh37 (hg19) VCF-style: chr4-110791248-G-A.
Other names: c.1208G>A (NM_198506.2); short protein forms G448E.
Identifiers: ClinVar variation 1371585 (VCV001371585.7), dbSNP rs2125901624, ClinGen allele CA357870787.
Genomic context (GRCh38, chr4:109,870,092, plus strand): 5'-CAAGCATCTCAGCAAGTACCACCATGGCCAACAAGCGATCATTCCAGCTCCACCAAGGTG[G>A]GAAAAGAAATTTAAAGGTGGCAAAGAATGGAAGTAAGCTTCCTCCAGCCAGCACAAGTAA-3'
Protein context (NP_940908.3, residues 438-458): NKRSFQLHQG[Gly448Glu]KRNLKVAKNG

ClinVar aggregate classification (germline): Uncertain significance. Review status: criteria provided, multiple submitters, no conflicts (2 of 4 stars). 2 submissions from 2 submitters: Uncertain significance (2). Last evaluated 2025-08-25.

Conditions:
Inborn genetic diseases. Identifiers: MedGen C0950123, MeSH D030342.

Allele frequency attached by ClinVar (database versions not stated): gnomAD exomes 0.00001.

Submissions (2):

Ambry Genetics
Classification: Uncertain significance for Inborn genetic diseases. Last evaluated: 2025-08-25. Review status: criteria provided, single submitter. Criteria: Ambry Variant Classification Scheme 2023. Collection method: clinical testing. Allele origin: germline.

Labcorp Genetics (formerly Invitae), Labcorp
Classification: Uncertain significance. Last evaluated: 2021-10-25. Review status: criteria provided, single submitter. Criteria: Invitae Variant Classification Sherloc (09022015). Collection method: clinical testing. Allele origin: germline.
Comment: In summary, the available evidence is currently insufficient to determine the role of this variant in disease. Therefore, it has been classified as a Variant of Uncertain Significance. This variant has not been reported in the literature in individuals affected with LRIT3-related conditions. Algorithms developed to predict the effect of missense changes on protein structure and function are either unavailable or do not agree on the potential impact of this missense change (SIFT: "Tolerated"; PolyPhen-2: "Probably Damaging"; Align-GVGD: "Class C0"). This variant is not present in population databases (ExAC no frequency). This sequence change replaces glycine with glutamic acid at codon 448 of the LRIT3 protein (p.Gly448Glu). The glycine residue is moderately conserved and there is a moderate physicochemical difference between glycine and glutamic acid.